The following is an entry in ClinVar:

ClinVar aggregate classification (germline): Pathogenic (1 of 4 stars; one submission).

Submission:

Labcorp Genetics (formerly Invitae), Labcorp
Classification: Pathogenic. Last evaluated: 2024-08-31. Review status: criteria provided, single submitter. Criteria: Invitae Variant Classification Sherloc (09022015). Collection method: clinical testing. Allele origin: germline.
Comment: This sequence change creates a premature translational stop signal (p.Leu118*) in the ORC6 gene. It is expected to result in an absent or disrupted protein product. Loss-of-function variants in ORC6 are known to be pathogenic (PMID: 21358632, 25691413). This variant is not present in population databases (gnomAD no frequency). This variant has not been reported in the literature in individuals affected with ORC6-related conditions. For these reasons, this variant has been classified as Pathogenic.

Literature cited by the submitters: PubMed 21358632; PubMed 25691413.

NM_014321.4(ORC6):c.352del (p.Ile117_Leu118insTer)

Gene: ORC6 (origin recognition complex subunit 6; plus strand). Cytogenetic location: 16q11.2.
Variant type: Deletion.
Coding change: c.352del on transcript NM_014321.4 (MANE Select); coding-DNA position 352, one base deleted (C; older notation c.352delC).
Protein change: p.Ile117_Leu118insTer.
Molecular consequence: nonsense. On other transcripts: non-coding transcript variant (1).
Genome position (GRCh38, 1-based): chr16:46,692,538, C deleted. VCF-style (leftmost placement, unchanged base first): chr16-46692537-AC-A. GRCh37 (hg19) VCF-style: chr16-46726449-AC-A.
Identifiers: ClinVar variation 3664050 (VCV003664050.2).